The following is an entry in ClinVar:

ClinVar aggregate classification (germline): Pathogenic (3 of 4 stars; one submission).

Conditions:
Breast-ovarian cancer, familial, susceptibility to, 1 (BROVCA1). Also called: BRCA1 Hereditary Breast and Ovarian Cancer; OVARIAN CANCER, SUSCEPTIBILITY TO. Identifiers: Orphanet 145, MedGen C2676676, MONDO:0011450, OMIM 604370. Disease mechanism: loss of function.

Submission:

Evidence-based Network for the Interpretation of Germline Mutant Alleles (ENIGMA)
Classification: Pathogenic for Breast-ovarian cancer, familial, susceptibility to, 1. Last evaluated: 2017-12-15. Review status: reviewed by expert panel. Criteria: ENIGMA BRCA1/2 Classification Criteria (2017-06-29). Collection method: curation. Allele origin: germline. Study: ENIGMA.
Comment: Variant allele predicted to encode a truncated non-functional protein.

NM_007294.4(BRCA1):c.2778_2779insAT (p.Ala927fs)

Gene: BRCA1 (BRCA1 DNA repair associated; minus strand). Cytogenetic location: 17q21.31.
Variant type: Insertion.
Coding change: c.2778_2779insAT on transcript NM_007294.4 (MANE Select); coding-DNA positions 2778 to 2779, AT inserted.
Protein change: p.Ala927fs; shifts the reading frame from alanine 927.
Molecular consequence: frameshift variant. On other transcripts: intron variant (137).
Genome position: GRCh38 VCF-style: chr17-43092752-C-CAT. GRCh37 (hg19) VCF-style: chr17-41244769-C-CAT.
Other names: c.2778_2779insAT, p.Ala927fs (NM_007294.3, NM_001407581.1, NM_001407582.1 and 31 more transcripts); c.665-1721_665-1720insTA (NM_001408429.1, NM_001408442.1, NM_001408426.1 and 12 more transcripts); c.788-1721_788-1720insTA (NM_001407979.1, NM_001407977.1, NM_001407982.1 and 17 more transcripts); c.647-1721_647-1720insTA (NM_001408410.1, NM_001408458.1, NM_001408469.1 and 11 more transcripts); c.710-1721_710-1720insTA (NM_001408415.1, NM_001408412.1, NM_001408409.1 and 2 more transcripts); c.578-1721_578-1720insTA (NM_001408483.1, NM_001408481.1, NM_001408480.1 and 9 more transcripts); c.2565_2566insAT, p.Ala856fs (NM_001407571.1, NM_001407853.1, NM_001407894.1 and 9 more transcripts); c.2775_2776insAT, p.Ala926fs (NM_001407587.1, NM_001407590.1, NM_001407591.1 and 22 more transcripts); and 41 more; short protein forms A927fs, A880fs, A759fs, A839fs, A885fs, A631fs, A799fs, A815fs.
Identifiers: ClinVar variation 548208 (VCV000548208.2), dbSNP rs886040072, ClinGen allele CA658823990.